The following is an entry in ClinVar:

ClinVar aggregate classification (germline): Benign/Likely benign. Review status: criteria provided, multiple submitters, no conflicts (2 of 4 stars). 9 submissions from 9 submitters: Benign (4); Likely benign (5). Last evaluated 2025-12-02.

Conditions:
TSC2-related disorder. Also called: TSC2-related condition; TSC2-Related Disorders.
Hereditary cancer-predisposing syndrome. Also called: Neoplastic Syndromes, Hereditary; Tumor predisposition; Hereditary Cancer Syndrome; Hereditary neoplastic syndrome. Identifiers: Orphanet 140162, MedGen C0027672, MeSH D009386, MONDO:0015356.
Tuberous sclerosis syndrome (TSC). Also called: Tuberous Sclerosis Complex; Tuberous sclerosis. Identifiers: Orphanet 805, MedGen C0041341, MONDO:0001734.
Tuberous sclerosis 2 (TSC2). Identifiers: Orphanet 805, MedGen C1860707, MONDO:0013199, OMIM 613254.

Allele frequency attached by ClinVar (database versions not stated): TOPMed 0.00002; 1000 Genomes Project 30x 0.00031; 1000 Genomes Project 0.00040.
gnomAD v4.1: 32 of 1,612,868 alleles (0.002%); highest among the groups gnomAD compares: South Asian, 0.012%; no homozygotes.

Submissions (9):

Labcorp Genetics (formerly Invitae), Labcorp
Classification: Benign for Tuberous sclerosis 2. Last evaluated: 2025-12-02. Review status: criteria provided, single submitter. Criteria: Invitae Variant Classification Sherloc (09022015). Collection method: clinical testing. Allele origin: germline.

PreventionGenetics, part of Exact Sciences
Classification: Likely benign for TSC2-related condition. Last evaluated: 2025-07-05. Review status: criteria provided, single submitter. Criteria: ACMG Guidelines, 2015. Collection method: clinical testing. Allele origin: germline.
Comment: This variant is classified as likely benign based on ACMG/AMP sequence variant interpretation guidelines (Richards et al. 2015 PMID: 25741868, with internal and published modifications).

Blueprint Genetics
Classification: Likely benign. Last evaluated: 2024-10-04. Review status: criteria provided, single submitter. Criteria: ACMG Guidelines, 2015. Collection method: clinical testing. Allele origin: germline.

Myriad Genetics, Inc.
Classification: Benign for Tuberous sclerosis 2. Last evaluated: 2024-09-09. Review status: criteria provided, single submitter. Criteria: Myriad Autosomal Dominant, Autosomal Recessive and X-Linked Classification Criteria (2023). Collection method: clinical testing. Allele origin: unknown.
Comment: This variant is considered benign. This variant is intronic and is not expected to impact mRNA splicing. This variant has been observed at a population frequency that is significantly greater than expected given the associated disease prevalence and penetrance.

Color Diagnostics, LLC DBA Color Health
Classification: Benign for Tuberous sclerosis syndrome. Last evaluated: 2022-12-07. Review status: criteria provided, single submitter. Criteria: ACMG Guidelines, 2015. Collection method: clinical testing. Allele origin: germline.

Genome-Nilou Lab
Classification: Benign for Tuberous sclerosis 2. Last evaluated: 2021-11-07. Review status: criteria provided, single submitter. Criteria: ACMG Guidelines, 2015. Collection method: clinical testing. Allele origin: germline. Affected: no.

Sema4
Classification: Likely benign for Hereditary cancer-predisposing syndrome. Last evaluated: 2021-07-26. Review status: criteria provided, single submitter. Criteria: Sema4 Curation Guidelines. Collection method: curation. Allele origin: germline.

GeneDx
Classification: Likely benign. Last evaluated: 2019-11-04. Review status: criteria provided, single submitter. Criteria: GeneDx Variant Classification Process June 2021. Collection method: clinical testing. Allele origin: germline. Affected: yes.

Ambry Genetics
Classification: Likely benign for Hereditary cancer-predisposing syndrome. Last evaluated: 2019-10-08. Review status: criteria provided, single submitter. Criteria: Ambry Variant Classification Scheme 2023. Collection method: clinical testing. Allele origin: germline.

NM_000548.5(TSC2):c.3611-5C>T

Gene: TSC2 (TSC complex subunit 2; plus strand). Cytogenetic location: 16p13.3.
Variant type: single nucleotide variant.
Coding change: c.3611-5C>T on transcript NM_000548.5 (MANE Select); 5 bases into the intron before coding-DNA position 3611, C replaced by T.
Molecular consequence: intron variant.
Genome position (GRCh38, 1-based): chr16:2,081,590, C>T. VCF-style: chr16-2081590-C-T. GRCh37 (hg19) VCF-style: chr16-2131591-C-T.
Other names: c.3611-5C>T (NM_001114382.3, NM_000548.4); c.3482-5C>T (NM_021055.3, NM_001370405.1, NM_001363528.2); c.3479-5C>T (NM_001370404.1, NM_001077183.3); c.3371-5C>T (NM_001318827.2); c.2879-5C>T (NM_001318831.2); c.3335-5C>T (NM_001318829.2); c.3512-5C>T (NM_001318832.2).
Identifiers: ClinVar variation 385399 (VCV000385399.23), dbSNP rs200194551, ClinGen allele CA047865.
Genomic context (GRCh38, chr16:2,081,590, plus strand): 5'-TGGGGGGCCAGAGATGGGTAAGGGGAGGTACTGGCCTCAGGCCAAAGGTGCTGCCGCCTC[C>T]GCAGGGAACACCAGCTGGCTGATGAGCCTGGAGAACCCGCTCAGCCCTTTCTCCTCGGAC-3'